The following is an entry in ClinVar:

ClinVar aggregate classification (germline): Uncertain significance. Review status: criteria provided, multiple submitters, no conflicts (2 of 4 stars). 2 submissions from 2 submitters: Uncertain significance (2). Last evaluated 2025-02-19.

Conditions:
Hereditary cancer-predisposing syndrome. Also called: Neoplastic Syndromes, Hereditary; Tumor predisposition; Hereditary neoplastic syndrome; Hereditary Cancer Syndrome. Identifiers: Orphanet 140162, MedGen C0027672, MeSH D009386, MONDO:0015356.

Allele frequency attached by ClinVar (database versions not stated): TOPMed 0.00001.
gnomAD v4.1: 2 of 1,612,440 alleles (0.00012%); highest among the groups gnomAD compares: Non-Finnish European, 0.00017%; no homozygotes.

Submissions (2):

Labcorp Genetics (formerly Invitae), Labcorp
Classification: Uncertain significance. Last evaluated: 2025-02-19. Review status: criteria provided, single submitter. Criteria: Invitae Variant Classification Sherloc (09022015). Collection method: clinical testing. Allele origin: germline.
Comment: This sequence change falls in intron 5 of the NTHL1 gene. It does not directly change the encoded amino acid sequence of the NTHL1 protein. It affects a nucleotide within the consensus splice site. This variant is not present in population databases (gnomAD no frequency). This variant has not been reported in the literature in individuals affected with NTHL1-related conditions. ClinVar contains an entry for this variant (Variation ID: 642220). Variants that disrupt the consensus splice site are a relatively common cause of aberrant splicing (PMID: 17576681, 9536098). Studies have shown that this variant is associated with inconclusive levels of altered splicing (internal data). In summary, the available evidence is currently insufficient to determine the role of this variant in disease. Therefore, it has been classified as a Variant of Uncertain Significance.

Ambry Genetics
Classification: Uncertain significance for Hereditary cancer-predisposing syndrome. Last evaluated: 2024-09-30. Review status: criteria provided, single submitter. Criteria: Ambry Variant Classification Scheme 2023. Collection method: clinical testing. Allele origin: germline.
Comment: The c.816-3C>A intronic variant results from a C to A substitution 3 nucleotides upstream from coding exon 6 in the NTHL1 gene. This nucleotide position is well conserved in available vertebrate species. In silico splice site analysis predicts that this alteration may weaken the native splice acceptor site. Based on the available evidence, the clinical significance of this variant remains unclear.

Literature cited by the submitters: PubMed 17576681 (cited by Labcorp Genetics (formerly Invitae), Labcorp); PubMed 9536098 (cited by Labcorp Genetics (formerly Invitae), Labcorp).

NM_002528.7(NTHL1):c.792-3C>A

Gene: NTHL1 (nth like DNA glycosylase 1; minus strand). Cytogenetic location: 16p13.3.
Variant type: single nucleotide variant.
Coding change: c.792-3C>A on transcript NM_002528.7 (MANE Select); 3 bases into the intron before coding-DNA position 792, C replaced by A.
Molecular consequence: intron variant.
Genome position (GRCh38, 1-based): chr16:2,040,050, G>T on the plus strand (C>A on the coding strand, the complement: NTHL1 is on the minus strand). VCF-style: chr16-2040050-G-T. GRCh37 (hg19) VCF-style: chr16-2090051-G-T.
Other names: c.792-3C>A (LRG_1366t1); c.462-3C>A (NM_001318194.2); c.621-3C>A (NM_001318193.2).
Identifiers: ClinVar variation 642220 (VCV000642220.12), dbSNP rs3087467, ClinGen allele CA718905098.